The following is an entry in ClinVar:

NM_032520.5(GNPTG):c.878A>C (p.Glu293Ala)

Gene: GNPTG (N-acetylglucosamine-1-phosphate transferase subunit gamma; plus strand). Cytogenetic location: 16p13.3.
Variant type: single nucleotide variant.
Coding change: c.878A>C on transcript NM_032520.5 (MANE Select); coding-DNA position 878, A replaced by C.
Protein change: p.Glu293Ala; replaces glutamic acid 293 with alanine.
Molecular consequence: missense variant.
Genome position (GRCh38, 1-based): chr16:1,363,051, A>C. VCF-style: chr16-1363051-A-C. GRCh37 (hg19) VCF-style: chr16-1413052-A-C.
Other names: short protein forms E293A.
Identifiers: ClinVar variation 2085720 (VCV002085720.2), dbSNP rs372062796, ClinGen allele CA7808016.

ClinVar aggregate classification (germline): Uncertain significance. Review status: criteria provided, multiple submitters, no conflicts (2 of 4 stars). 2 submissions from 2 submitters: Uncertain significance (2). Last evaluated 2022-09-01.

Allele frequency attached by ClinVar (database versions not stated): ExAC 0.00002; gnomAD 0.00003; TOPMed 0.00006; ESP Exome Variant Server 0.00015.
gnomAD v4.1: 103 of 1,613,862 alleles (0.0064%); highest among the groups gnomAD compares: Non-Finnish European, 0.0082%; no homozygotes.

Submissions (2):

Labcorp Genetics (formerly Invitae), Labcorp
Classification: Uncertain significance. Last evaluated: 2022-09-01. Review status: criteria provided, single submitter. Criteria: Invitae Variant Classification Sherloc (09022015). Collection method: clinical testing. Allele origin: germline.
Comment: This sequence change replaces glutamic acid, which is acidic and polar, with alanine, which is neutral and non-polar, at codon 293 of the GNPTG protein (p.Glu293Ala). This variant is present in population databases (rs372062796, gnomAD 0.01%). This variant has not been reported in the literature in individuals affected with GNPTG-related conditions. Algorithms developed to predict the effect of missense changes on protein structure and function output the following: SIFT: "Tolerated"; PolyPhen-2: "Benign"; Align-GVGD: "Class C0". The alanine amino acid residue is found in multiple mammalian species, which suggests that this missense change does not adversely affect protein function. In summary, the available evidence is currently insufficient to determine the role of this variant in disease. Therefore, it has been classified as a Variant of Uncertain Significance.

Blueprint Genetics
Classification: Uncertain significance. Last evaluated: 2020-03-06. Review status: criteria provided, single submitter. Criteria: ACMG Guidelines, 2015. Collection method: clinical testing. Allele origin: germline.